The following is an entry in ClinVar:

NM_001199107.2(TBC1D24):c.809G>A (p.Arg270His)

Gene: TBC1D24 (TBC1 domain family member 24; plus strand). Cytogenetic location: 16p13.3.
Variant type: single nucleotide variant.
Coding change: c.809G>A on transcript NM_001199107.2 (MANE Select); coding-DNA position 809, G replaced by A.
Protein change: p.Arg270His; replaces arginine 270 with histidine.
Molecular consequence: missense variant.
Genome position (GRCh38, 1-based): chr16:2,496,957, G>A. VCF-style: chr16-2496957-G-A. GRCh37 (hg19) VCF-style: chr16-2546958-G-A.
Other names: c.809G>A, p.Arg270His (NM_020705.3); short protein forms R270H.
Identifiers: ClinVar variation 436947 (VCV000436947.10), dbSNP rs545689324, ClinGen allele CA7844074.

ClinVar aggregate classification (germline): Conflicting classifications of pathogenicity. Review status: criteria provided, conflicting classifications (1 of 4 stars). 3 submissions from 3 submitters: Likely pathogenic (1); Uncertain significance (2). Last evaluated 2022-08-16.

Conditions:
Caused by mutation in the TBC1 domain family, member 24.
Autosomal dominant nonsyndromic hearing loss 65. Also called: Deafness, autosomal dominant 65; TBC1D24-Related Autosomal Dominant Nonsyndromic Hearing Loss (DFNA). Identifiers: Orphanet 90635, MedGen C3892048, MONDO:0014470, OMIM 616044.
Developmental and epileptic encephalopathy, 1 (DEE1). Also called: Epileptic encephalopathy, early infantile, 1; X-linked infantile spasms; West's syndrome; Tonic spasms with clustering, arrest of psychomotor development and hypsarrhythmia on EEG; X-Linked Infantile Spasm Syndrome; OHTAHARA SYNDROME, X-LINKED. Identifiers: MedGen C3463992, MONDO:0010632, OMIM 308350. Disease mechanism: loss of function.
Familial infantile myoclonic epilepsy (FIME). Also called: TBC1D24-Related Familial Infantile Myoclonic Epilepsy (FIME); Epilepsy, Myoclonic, Infantile. Identifiers: Orphanet 352582, MedGen C0917800, MONDO:0011506, OMIM 605021.

Allele frequency attached by ClinVar (database versions not stated): TOPMed 0.00001; ExAC 0.00002; gnomAD 0.00004; 1000 Genomes Project 30x 0.00016; 1000 Genomes Project 0.00020.
gnomAD v4.1: 35 of 1,614,014 alleles (0.0022%); highest among the groups gnomAD compares: Admixed American, 0.0017%; no homozygotes.

Submissions (3):

Labcorp Genetics (formerly Invitae), Labcorp
Classification: Uncertain significance for Developmental and epileptic encephalopathy, 1; Autosomal dominant nonsyndromic hearing loss 65. Last evaluated: 2022-08-16. Review status: criteria provided, single submitter. Criteria: Invitae Variant Classification Sherloc (09022015). Collection method: clinical testing. Allele origin: germline.
Comment: This sequence change replaces arginine, which is basic and polar, with histidine, which is basic and polar, at codon 270 of the TBC1D24 protein (p.Arg270His). This variant is present in population databases (rs545689324, gnomAD 0.02%). This missense change has been observed in individual(s) with autosomal recessive TBC1D24-related conditions (PMID: 26207815). ClinVar contains an entry for this variant (Variation ID: 436947). Advanced modeling of protein sequence and biophysical properties (such as structural, functional, and spatial information, amino acid conservation, physicochemical variation, residue mobility, and thermodynamic stability) performed at Invitae indicates that this missense variant is not expected to disrupt TBC1D24 protein function. Experimental studies are conflicting or provide insufficient evidence to determine the effect of this variant on TBC1D24 function (PMID: 26207815, 30335140). In summary, the available evidence is currently insufficient to determine the role of this variant in disease. Therefore, it has been classified as a Variant of Uncertain Significance.

Blueprint Genetics
Classification: Uncertain significance. Last evaluated: 2021-12-10. Review status: criteria provided, single submitter. Criteria: ACMG Guidelines, 2015. Collection method: clinical testing. Allele origin: germline.

Genetic Services Laboratory, University of Chicago
Classification: Likely pathogenic for Myoclonic epilepsy, infantile, familial. Last evaluated: 2015-12-10. Review status: criteria provided, single submitter. Criteria: ACMG Guidelines, 2015. Collection method: clinical testing. Allele origin: germline. Affected: yes.

Literature cited by the submitters: PubMed 26207815 (cited by Labcorp Genetics (formerly Invitae), Labcorp); PubMed 30335140 (cited by Labcorp Genetics (formerly Invitae), Labcorp).